The following is an entry in ClinVar:

NM_001267550.2(TTN):c.74490G>A (p.Trp24830Ter)

Genes: TTN-AS1 (TTN antisense RNA 1; plus strand), TTN (titin; minus strand). Cytogenetic location: 2q31.2.
Variant type: single nucleotide variant.
Coding change: c.74490G>A on transcript NM_001267550.2 (MANE Select); coding-DNA position 74490, G replaced by A.
Protein change: p.Trp24830Ter; replaces tryptophan 24830 with a stop codon.
Molecular consequence: nonsense.
Genome position (GRCh38, 1-based): chr2:178,571,642, C>T on the plus strand (G>A on the coding strand, the complement: TTN is on the minus strand). VCF-style: chr2-178571642-C-T. GRCh37 (hg19) VCF-style: chr2-179436369-C-T.
Other names: c.69567G>A, p.Trp23189Ter (NM_001256850.1); c.47295G>A, p.Trp15765Ter (NM_003319.4); c.66786G>A, p.Trp22262Ter (NM_133378.4); c.47670G>A, p.Trp15890Ter (NM_133432.3); c.47871G>A, p.Trp15957Ter (NM_133437.4); short protein forms W15765*, W24830*, W15890*, W22262*, W23189*, W15957*.
Identifiers: ClinVar variation 858410 (VCV000858410.1), dbSNP rs1708235406, ClinGen allele CA349633586.

ClinVar aggregate classification (germline): Likely pathogenic (1 of 4 stars; one submission).

Conditions:
Dilated cardiomyopathy 1G (CMD1G). Identifiers: Orphanet 154, MedGen C1858763, MONDO:0011400, OMIM 604145.
Autosomal recessive limb-girdle muscular dystrophy type 2J (LGMDR10). Also called: Limb-girdle muscular dystrophy, type 2J; MUSCULAR DYSTROPHY, LIMB-GIRDLE, AUTOSOMAL RECESSIVE 10. Identifiers: Orphanet 140922, MedGen C1837342, MONDO:0012127, OMIM 608807.

Submission:

Labcorp Genetics (formerly Invitae), Labcorp
Classification: Likely pathogenic for Dilated cardiomyopathy 1G; Limb-girdle muscular dystrophy, type 2J. Last evaluated: 2019-02-25. Review status: criteria provided, single submitter. Criteria: Invitae Variant Classification Sherloc (09022015). Collection method: clinical testing. Allele origin: germline.
Comment: This sequence change results in a premature translational stop signal in the TTN gene (p.Trp24830*). While this is not anticipated to result in nonsense mediated decay, it is expected to create a truncated TTN protein. This variant is not present in population databases (ExAC no frequency). This variant has not been reported in the literature in individuals with TTN-related conditions. This variant is located in the A band of TTN (PMID: 25589632). Truncating variants in this region are significantly overrepresented in patients affected with dilated cardiomyopathy (PMID: 25589632). Truncating variants in this region have also been reported in individuals affected with autosomal recessive centronuclear myopathy (PMID: 23975875). In summary, the currently available evidence indicates that the variant is pathogenic, but additional data are needed to prove that conclusively. Therefore, this variant has been classified as Likely Pathogenic.

Literature cited by the submitters: PubMed 23975875; PubMed 25589632.